The following is an entry in ClinVar:

NM_001371986.1(UNC80):c.2224G>T (p.Gly742Ter)

Gene: UNC80 (unc-80 subunit of NALCN channel complex; plus strand). Cytogenetic location: 2q34.
Variant type: single nucleotide variant.
Coding change: c.2224G>T on transcript NM_001371986.1 (MANE Select); coding-DNA position 2224, G replaced by T.
Protein change: p.Gly742Ter; replaces glycine 742 with a stop codon.
Molecular consequence: nonsense.
Genome position (GRCh38, 1-based): chr2:209,820,572, G>T. VCF-style: chr2-209820572-G-T. GRCh37 (hg19) VCF-style: chr2-210685296-G-T.
Other names: c.2224G>T, p.Gly742Ter (NM_032504.2, NM_182587.4); short protein forms G742*.
Identifiers: ClinVar variation 3725486 (VCV003725486.2).

ClinVar aggregate classification (germline): Pathogenic (1 of 4 stars; one submission).

Submission:

Labcorp Genetics (formerly Invitae), Labcorp
Classification: Pathogenic. Last evaluated: 2024-11-18. Review status: criteria provided, single submitter. Criteria: Invitae Variant Classification Sherloc (09022015). Collection method: clinical testing. Allele origin: germline.
Comment: This sequence change creates a premature translational stop signal (p.Gly742*) in the UNC80 gene. It is expected to result in an absent or disrupted protein product. Loss-of-function variants in UNC80 are known to be pathogenic (PMID: 26545877, 26708751, 26708753). This variant is not present in population databases (gnomAD no frequency). This variant has not been reported in the literature in individuals affected with UNC80-related conditions. For these reasons, this variant has been classified as Pathogenic.

Literature cited by the submitters: PubMed 26545877; PubMed 26708751; PubMed 26708753.